The following is an entry in ClinVar:

ClinVar aggregate classification (germline): Uncertain significance. Review status: criteria provided, multiple submitters, no conflicts (2 of 4 stars). 2 submissions from 2 submitters: Uncertain significance (2). Last evaluated 2025-08-03.

Conditions:
Hereditary sensory and autonomic neuropathy type 7. Also called: HSAN VII; Neuropathy, hereditary sensory and autonomic, type VII. Identifiers: Orphanet 391397, MedGen C3809882, MONDO:0014244, OMIM 615548.
Familial episodic pain syndrome with predominantly lower limb involvement. Also called: Episodic pain syndrome, familial, 3. Identifiers: Orphanet 391384, Orphanet 391392, MedGen C3809899, MONDO:0014247, OMIM 615552.
Inborn genetic diseases. Identifiers: MedGen C0950123, MeSH D030342.

gnomAD v4.1: 2 of 1,613,720 alleles (0.00012%); highest among the groups gnomAD compares: Admixed American, 0.0017%; no homozygotes.

Submissions (2):

Labcorp Genetics (formerly Invitae), Labcorp
Classification: Uncertain significance for Familial episodic pain syndrome with predominantly lower limb involvement; Hereditary sensory and autonomic neuropathy type 7. Last evaluated: 2025-08-03. Review status: criteria provided, single submitter. Criteria: Invitae Variant Classification Sherloc (09022015). Collection method: clinical testing. Allele origin: germline.
Comment: This sequence change replaces glutamine, which is neutral and polar, with histidine, which is basic and polar, at codon 1000 of the SCN11A protein (p.Gln1000His). This variant is not present in population databases (gnomAD no frequency). This variant has not been reported in the literature in individuals affected with SCN11A-related conditions. ClinVar contains an entry for this variant (Variation ID: 2191380). Invitae Evidence Modeling of protein sequence and biophysical properties (such as structural, functional, and spatial information, amino acid conservation, physicochemical variation, residue mobility, and thermodynamic stability) indicates that this missense variant is not expected to disrupt SCN11A protein function with a negative predictive value of 80%. In summary, the available evidence is currently insufficient to determine the role of this variant in disease. Therefore, it has been classified as a Variant of Uncertain Significance.

Ambry Genetics
Classification: Uncertain significance for Inborn genetic diseases. Last evaluated: 2025-04-12. Review status: criteria provided, single submitter. Criteria: Ambry Variant Classification Scheme 2023. Collection method: clinical testing. Allele origin: germline.

NM_001349253.2(SCN11A):c.3000G>T (p.Gln1000His)

Gene: SCN11A (sodium voltage-gated channel alpha subunit 11; minus strand). Cytogenetic location: 3p22.2.
Variant type: single nucleotide variant.
Coding change: c.3000G>T on transcript NM_001349253.2 (MANE Select); coding-DNA position 3000, G replaced by T.
Protein change: p.Gln1000His; replaces glutamine 1000 with histidine.
Molecular consequence: missense variant.
Genome position (GRCh38, 1-based): chr3:38,885,352, C>A on the plus strand (G>T on the coding strand, the complement: SCN11A is on the minus strand). VCF-style: chr3-38885352-C-A. GRCh37 (hg19) VCF-style: chr3-38926843-C-A.
Other names: c.3000G>T (NM_014139.2); c.3000G>T, p.Gln1000His (NM_014139.3); short protein forms Q1000H.
Identifiers: ClinVar variation 2191380 (VCV002191380.5), dbSNP rs779994006, ClinGen allele CA72990664.